The following is an entry in ClinVar:

NM_000093.5(COL5A1):c.4708G>A (p.Gly1570Arg)

Genes: COL5A1 (collagen type V alpha 1 chain; plus strand), LOC101448202 (uncharacterized LOC101448202; minus strand). Cytogenetic location: 9q34.3.
Variant type: single nucleotide variant.
Coding change: c.4708G>A on transcript NM_000093.5 (MANE Select); coding-DNA position 4708, G replaced by A.
Protein change: p.Gly1570Arg; replaces glycine 1570 with arginine.
Molecular consequence: missense variant.
Genome position (GRCh38, 1-based): chr9:134,824,609, G>A. VCF-style: chr9-134824609-G-A. GRCh37 (hg19) VCF-style: chr9-137716455-G-A.
Other names: c.4708G>A, p.Gly1570Arg (NM_001278074.1); short protein forms G1570R.
Identifiers: ClinVar variation 5034819 (VCV005034819.1).

ClinVar aggregate classification (germline): Uncertain significance (1 of 4 stars; one submission).

Conditions:
Familial thoracic aortic aneurysm and aortic dissection (TAAD). Also called: Thoracic aortic aneurysms and dissections. Identifiers: Orphanet 91387, MedGen C4707243, MONDO:0019625.

Submission:

Ambry Genetics
Classification: Uncertain significance for Familial thoracic aortic aneurysm and aortic dissection. Last evaluated: 2026-08-10. Review status: criteria provided, single submitter. Criteria: Ambry Variant Classification Scheme 2023. Collection method: clinical testing. Allele origin: germline.
Comment: The p.G1570R variant (also known as c.4708G>A), located in coding exon 62 of the COL5A1 gene, results from a G to A substitution at nucleotide position 4708. The glycine at codon 1570 is replaced by arginine, an amino acid with dissimilar properties. This amino acid position is conserved. In addition, this alteration is predicted to be deleterious by in silico analysis. Based on the available evidence, the clinical significance of this variant remains unclear.